The following is an entry in ClinVar:

ClinVar aggregate classification (germline): Uncertain significance (1 of 4 stars; one submission).

Conditions:
Congenital heart defects and ectodermal dysplasia (CHDED). Identifiers: MedGen C4479250, MONDO:0044303, OMIM 617364.

Submission:

Juno Genomics, Hangzhou Juno Genomics, Inc
Classification: Uncertain significance for Congenital heart defects and ectodermal dysplasia. Review status: criteria provided, single submitter. Criteria: ACMG Guidelines, 2015. Collection method: clinical testing. Allele origin: germline.
Comment: Absent from controls (or at extremely low frequency if recessive) in Genome Aggregation Database.;Multiple lines of computational evidence support a deleterious effect on the gene or gene product.

NM_002742.3(PRKD1):c.500T>C (p.Leu167Pro)

Gene: PRKD1 (protein kinase D1; minus strand). Cytogenetic location: 14q12.
Variant type: single nucleotide variant.
Coding change: c.500T>C on transcript NM_002742.3 (MANE Select); coding-DNA position 500, T replaced by C.
Protein change: p.Leu167Pro; replaces leucine 167 with proline.
Molecular consequence: missense variant.
Genome position (GRCh38, 1-based): chr14:29,666,112, A>G on the plus strand (T>C on the coding strand, the complement: PRKD1 is on the minus strand). VCF-style: chr14-29666112-A-G. GRCh37 (hg19) VCF-style: chr14-30135318-A-G.
Other names: c.500T>C, p.Leu167Pro (NM_001330069.2); c.212T>C, p.Leu71Pro (NM_001348390.1); short protein forms L167P, L71P.
Identifiers: ClinVar variation 5005317 (VCV005005317.2).